The following is an entry in ClinVar:

ClinVar aggregate classification (germline): Uncertain significance (1 of 4 stars; one submission).

gnomAD v4.1: 1 of 1,614,166 alleles (0.000062%); highest among the groups gnomAD compares: Non-Finnish European, 0.000085%; no homozygotes.

Submission:

GeneDx
Classification: Uncertain significance. Last evaluated: 2023-11-19. Review status: criteria provided, single submitter. Criteria: GeneDx Variant Classification Process June 2021. Collection method: clinical testing. Allele origin: germline. Affected: yes.
Comment: Not observed at significant frequency in large population cohorts (gnomAD); In silico analysis supports that this missense variant does not alter protein structure/function; Has not been previously published as pathogenic or benign to our knowledge

NM_006734.4(HIVEP2):c.2488G>T (p.Ala830Ser)

Gene: HIVEP2 (HIVEP zinc finger 2; minus strand). Cytogenetic location: 6q24.2.
Variant type: single nucleotide variant.
Coding change: c.2488G>T on transcript NM_006734.4 (MANE Select); coding-DNA position 2488, G replaced by T.
Protein change: p.Ala830Ser; replaces alanine 830 with serine.
Molecular consequence: missense variant.
Genome position (GRCh38, 1-based): chr6:142,772,251, C>A on the plus strand (G>T on the coding strand, the complement: HIVEP2 is on the minus strand). VCF-style: chr6-142772251-C-A. GRCh37 (hg19) VCF-style: chr6-143093388-C-A.
Other names: short protein forms A830S.
Identifiers: ClinVar variation 3364692 (VCV003364692.1).
Genomic context (GRCh38, chr6:142,772,251, plus strand): 5'-ACTCAGGACTCACTGGGGCTTCTGAAATCTCACTGTCACAAGTCTCTGAAGGGGAAGGGG[C>A]TTTATCCTGTGTGCAAGCCACAAGTTCGGCTGACTCAGACCTTTCAAATGAATTGGGTCG-3'
Protein context (NP_006725.3, residues 820-840): AELVACTQDK[Ala830Ser]PSPSETCDSE